The following is an entry in ClinVar:

NM_001110556.2(FLNA):c.6019G>T (p.Val2007Leu)

Gene: FLNA (filamin A; minus strand). Cytogenetic location: Xq28.
Variant type: single nucleotide variant.
Coding change: c.6019G>T on transcript NM_001110556.2 (MANE Select); coding-DNA position 6019, G replaced by T.
Protein change: p.Val2007Leu; replaces valine 2007 with leucine.
Molecular consequence: missense variant.
Genome position (GRCh38, 1-based): chrX:154,353,299, C>A on the plus strand (G>T on the coding strand, the complement: FLNA is on the minus strand). VCF-style: chrX-154353299-C-A. GRCh37 (hg19) VCF-style: chrX-153581667-C-A.
Other names: c.5995G>T, p.Val1999Leu (NM_001456.4); short protein forms V1999L, V2007L.
Identifiers: ClinVar variation 2632470 (VCV002632470.1), dbSNP rs200956777, ClinGen allele CA415196900.

ClinVar aggregate classification (germline): Uncertain significance (1 of 4 stars; one submission).

Conditions:
FLNA-related disorder.

Submission:

PreventionGenetics, part of Exact Sciences
Classification: Uncertain significance for FLNA-related condition. Last evaluated: 2023-06-08. Review status: criteria provided, single submitter. Criteria: ACMG Guidelines, 2015. Collection method: clinical testing. Allele origin: germline.
Comment: The FLNA c.6019G>T variant is predicted to result in the amino acid substitution p.Val2007Leu. To our knowledge, this variant has not been reported in the literature or in a large population database, indicating this variant is rare. At this time, the clinical significance of this variant is uncertain due to the absence of conclusive functional and genetic evidence.